The following is an entry in ClinVar:

ClinVar aggregate classification (germline): Uncertain significance. Review status: criteria provided, multiple submitters, no conflicts (2 of 4 stars). 2 submissions from 2 submitters: Uncertain significance (2). Last evaluated 2025-05-17.

Conditions:
RPGRIP1L-related disorder. Also called: RPGRIP1L-related condition; RPGRIP1L-related disorders. Identifiers: MedGen CN239416.
Inborn genetic diseases. Identifiers: MedGen C0950123, MeSH D030342.

Submissions (2):

Ambry Genetics
Classification: Uncertain significance for Inborn genetic diseases. Last evaluated: 2025-05-17. Review status: criteria provided, single submitter. Criteria: Ambry Variant Classification Scheme 2023. Collection method: clinical testing. Allele origin: germline.

PreventionGenetics, part of Exact Sciences
Classification: Uncertain significance for RPGRIP1L-related condition. Last evaluated: 2025-04-18. Review status: criteria provided, single submitter. Criteria: ACMG Guidelines, 2015. Collection method: clinical testing. Allele origin: germline.
Comment: The RPGRIP1L c.3529C>G variant is predicted to result in the amino acid substitution p.Arg1177Gly. To our knowledge, this variant has not been reported in the literature. This variant is reported in 0.0065% of alleles in individuals of European (Non-Finnish) descent in gnomAD. At this time, the clinical significance of this variant is uncertain due to the absence of conclusive functional and genetic evidence.

NM_015272.5(RPGRIP1L):c.3529C>G (p.Arg1177Gly)

Gene: RPGRIP1L (RPGRIP1 like; minus strand). Cytogenetic location: 16q12.2.
Variant type: single nucleotide variant.
Coding change: c.3529C>G on transcript NM_015272.5 (MANE Select); coding-DNA position 3529, C replaced by G.
Protein change: p.Arg1177Gly; replaces arginine 1177 with glycine.
Molecular consequence: missense variant.
Genome position (GRCh38, 1-based): chr16:53,619,112, G>C on the plus strand (C>G on the coding strand, the complement: RPGRIP1L is on the minus strand). VCF-style: chr16-53619112-G-C. GRCh37 (hg19) VCF-style: chr16-53653024-G-C.
Other names: c.3289C>G, p.Arg1097Gly (NM_001127897.4); c.3391C>G, p.Arg1131Gly (NM_001308334.3); c.3427C>G, p.Arg1143Gly (NM_001330538.2); c.3529C>G (NM_015272.4); short protein forms R1143G, R1177G, R1131G, R1097G.
Identifiers: ClinVar variation 3947407 (VCV003947407.2).